The following is an entry in ClinVar:

NM_002617.4(PEX10):c.297T>G (p.His99Gln)

Gene: PEX10 (peroxisomal biogenesis factor 10; minus strand). Cytogenetic location: 1p36.32.
Variant type: single nucleotide variant.
Coding change: c.297T>G on transcript NM_002617.4 (MANE Select); coding-DNA position 297, T replaced by G.
Protein change: p.His99Gln; replaces histidine 99 with glutamine.
Molecular consequence: missense variant. On other transcripts: 5 prime UTR variant (2), non-coding transcript variant (1).
Genome position (GRCh38, 1-based): chr1:2,408,755, A>C on the plus strand (T>G on the coding strand, the complement: PEX10 is on the minus strand). VCF-style: chr1-2408755-A-C. GRCh37 (hg19) VCF-style: chr1-2340194-A-C.
Other names: c.297T>G, p.His99Gln (NM_001374425.1, NM_153818.2); c.-136T>G (NM_001374426.1, NM_001374427.1); short protein forms H99Q.
Identifiers: ClinVar variation 1947146 (VCV001947146.3), dbSNP rs763092580, ClinGen allele CA538220.

ClinVar aggregate classification (germline): Uncertain significance (1 of 4 stars; one submission).

Conditions:
Peroxisome biogenesis disorder, complementation group 7 (CG7). Also called: Peroxisome biogenesis disorder, complementation group B. Identifiers: MedGen C1864399.

Allele frequency attached by ClinVar (database versions not stated): TOPMed below 0.00001; gnomAD 0.00001; ExAC 0.00002; gnomAD exomes 0.00002.
gnomAD v4.1: 25 of 1,613,804 alleles (0.0015%); highest among the groups gnomAD compares: Non-Finnish European, 0.0019%; no homozygotes.

Submission:

Labcorp Genetics (formerly Invitae), Labcorp
Classification: Uncertain significance for Peroxisome biogenesis disorder, complementation group 7. Last evaluated: 2024-10-16. Review status: criteria provided, single submitter. Criteria: Invitae Variant Classification Sherloc (09022015). Collection method: clinical testing. Allele origin: germline.
Comment: This sequence change replaces histidine, which is basic and polar, with glutamine, which is neutral and polar, at codon 99 of the PEX10 protein (p.His99Gln). This variant is present in population databases (rs763092580, gnomAD 0.005%). This variant has not been reported in the literature in individuals affected with PEX10-related conditions. ClinVar contains an entry for this variant (Variation ID: 1947146). An algorithm developed to predict the effect of missense changes on protein structure and function (PolyPhen-2) suggests that this variant¬†is likely to be tolerated. In summary, the available evidence is currently insufficient to determine the role of this variant in disease. Therefore, it has been classified as a Variant of Uncertain Significance.